The following is an entry in ClinVar:

NC_000012.11:g.(?_103288493)_(103310908_?)del

Gene: PAH (phenylalanine hydroxylase; minus strand). Cytogenetic location: 12q23.2.
Variant type: Deletion.
Identifiers: ClinVar variation 3244240 (VCV003244240.1).

ClinVar aggregate classification (germline): Pathogenic (1 of 4 stars; one submission).

Conditions:
Phenylketonuria (PKU). Also called: FOLLING DISEASE; OLIGOPHRENIA PHENYLPYRUVICA; Phenylketonurias; Phenylketonuria (PKU). Identifiers: Orphanet 716, MedGen C0031485, MONDO:0009861, OMIM 261600. Disease mechanism: loss of function.

Submission:

Labcorp Genetics (formerly Invitae), Labcorp
Classification: Pathogenic for Phenylketonuria. Last evaluated: 2023-05-13. Review status: criteria provided, single submitter. Criteria: Invitae Variant Classification Sherloc (09022015). Collection method: clinical testing. Allele origin: unknown.
Comment: A similar copy number variant has been observed in individual(s) with clinical features of hyperphenylalaninemia (PMID: 30159852). For these reasons, this variant has been classified as Pathogenic. This variant is a gross deletion of the genomic region encompassing exon(s) 1-3 of the PAH gene, which includes the initiator codon. This deletion extends beyond the assayed region for this gene and therefore may encompass additional genes. It is expected to result in an absent or disrupted protein product. Loss-of-function variants in PAH are known to be pathogenic (PMID: 1301187, 9634518).

Literature cited by the submitters: PubMed 30159852; PubMed 1301187; PubMed 9634518.